The following is an entry in ClinVar:

NM_000038.6(APC):c.684A>G (p.Ile228Met)

Gene: APC (APC regulator of Wnt signaling pathway; plus strand). Cytogenetic location: 5q22.2.
Variant type: single nucleotide variant.
Coding change: c.684A>G on transcript NM_000038.6 (MANE Select); coding-DNA position 684, A replaced by G.
Protein change: p.Ile228Met; replaces isoleucine 228 with methionine.
Molecular consequence: missense variant. On other transcripts: 5 prime UTR variant (1), intron variant (2).
Genome position (GRCh38, 1-based): chr5:112,792,484, A>G. VCF-style: chr5-112792484-A-G. GRCh37 (hg19) VCF-style: chr5-112128181-A-G.
Other names: c.684A>G, p.Ile228Met (NM_001127510.3, NM_001354895.2, NM_001354896.2 and 1 more transcripts); c.714A>G, p.Ile238Met (NM_001354897.2, NM_001354902.2); c.609A>G, p.Ile203Met (NM_001354898.2, NM_001354904.2); c.507A>G, p.Ile169Met (NM_001354900.2, NM_001354901.2, NM_001354905.2); c.-352A>G (NM_001354906.2); c.676-8795A>G (NM_001127511.3); c.646-8795A>G (NM_001354899.2); short protein forms I228M, I169M, I203M, I238M.
Identifiers: ClinVar variation 919670 (VCV000919670.10), dbSNP rs1057521466, ClinGen allele CA16022835.

ClinVar aggregate classification (germline): Uncertain significance. Review status: criteria provided, multiple submitters, no conflicts (2 of 4 stars). 4 submissions from 4 submitters: Uncertain significance (4). Last evaluated 2025-01-09.

Conditions:
Classic or attenuated familial adenomatous polyposis. Identifiers: MedGen CN372698, MONDO:0021057.
Hereditary cancer-predisposing syndrome. Also called: Neoplastic Syndromes, Hereditary; Tumor predisposition; Hereditary Cancer Syndrome; Hereditary neoplastic syndrome. Identifiers: Orphanet 140162, MedGen C0027672, MeSH D009386, MONDO:0015356.
Familial adenomatous polyposis 1 (FAP1). Also called: FAMILIAL ADENOMATOUS POLYPOSIS 1, ATTENUATED; POLYPOSIS, ADENOMATOUS INTESTINAL. Identifiers: MedGen C2713442, MONDO:0021056, OMIM 175100. Disease mechanism: loss of function.

Allele frequency attached by ClinVar (database versions not stated): TOPMed below 0.00001; gnomAD 0.00001.
gnomAD v4.1: 1 of 1,612,380 alleles (0.000062%); highest among the groups gnomAD compares: African/African-American, 0.0013%; no homozygotes.

Submissions (4):

Labcorp Genetics (formerly Invitae), Labcorp
Classification: Uncertain significance for Familial adenomatous polyposis 1. Last evaluated: 2025-01-09. Review status: criteria provided, single submitter. Criteria: Invitae Variant Classification Sherloc (09022015). Collection method: clinical testing. Allele origin: germline.
Comment: This sequence change replaces isoleucine, which is neutral and non-polar, with methionine, which is neutral and non-polar, at codon 228 of the APC protein (p.Ile228Met). This variant is not present in population databases (gnomAD no frequency). This variant has not been reported in the literature in individuals affected with APC-related conditions. ClinVar contains an entry for this variant (Variation ID: 919670). Invitae Evidence Modeling of protein sequence and biophysical properties (such as structural, functional, and spatial information, amino acid conservation, physicochemical variation, residue mobility, and thermodynamic stability) indicates that this missense variant is not expected to disrupt APC protein function with a negative predictive value of 95%. In summary, the available evidence is currently insufficient to determine the role of this variant in disease. Therefore, it has been classified as a Variant of Uncertain Significance.

Ambry Genetics
Classification: Uncertain significance for Hereditary cancer-predisposing syndrome. Last evaluated: 2024-08-27. Review status: criteria provided, single submitter. Criteria: Ambry Variant Classification Scheme 2023. Collection method: clinical testing. Allele origin: germline.
Comment: The p.I228M variant (also known as c.684A>G), located in coding exon 6 of the APC gene, results from an A to G substitution at nucleotide position 684. The isoleucine at codon 228 is replaced by methionine, an amino acid with highly similar properties. This amino acid position is highly conserved in available vertebrate species. In addition, in silico predictors for this gene do not accurately predict pathogenicity. Missense alterations in APC are not a common cause of disease (Spier I et al. Genet Med. 2024 Feb;26(2):100992). Since supporting evidence is limited at this time, the clinical significance of this alteration remains unclear.

All of Us Research Program, National Institutes of Health
Classification: Uncertain significance for Classic or attenuated familial adenomatous polyposis. Last evaluated: 2023-08-15. Review status: criteria provided, single submitter. Criteria: ACMG Guidelines, 2015. Collection method: clinical testing. Allele origin: germline. Inheritance: Autosomal dominant inheritance. Observed: 1 variant allele, 1 heterozygote.
Comment: This missense variant replaces isoleucine with methionine at codon 228 of the APC protein. Computational prediction is inconclusive regarding the impact of this variant on protein structure and function (internally defined REVEL score threshold 0.5 < inconclusive < 0.7, PMID: 27666373). To our knowledge, functional studies have not been reported for this variant. This variant has not been reported in individuals affected with APC-related disorders in the literature. This variant has not been identified in the general population by the Genome Aggregation Database (gnomAD). The available evidence is insufficient to determine the role of this variant in disease conclusively. Therefore, this variant is classified as a Variant of Uncertain Significance.

This study involves interpretation of variants in research participants for the purpose of population health screening. Participant phenotype was not available at the time of variant classification. Additional details can be found in publication PMID: 35346344, PMCID: PMC8962531

Color Diagnostics, LLC DBA Color Health
Classification: Uncertain significance for Hereditary cancer-predisposing syndrome. Last evaluated: 2023-07-26. Review status: criteria provided, single submitter. Criteria: ACMG Guidelines, 2015. Collection method: clinical testing. Allele origin: germline.
Comment: This missense variant replaces isoleucine with methionine at codon 228 of the APC protein. Computational prediction is inconclusive regarding the impact of this variant on protein structure and function (internally defined REVEL score threshold 0.5 < inconclusive < 0.7, PMID: 27666373). To our knowledge, functional studies have not been reported for this variant. This variant has not been reported in individuals affected with APC-related disorders in the literature. This variant has not been identified in the general population by the Genome Aggregation Database (gnomAD). The available evidence is insufficient to determine the role of this variant in disease conclusively. Therefore, this variant is classified as a Variant of Uncertain Significance.